The following is an entry in ClinVar:

NM_025144.4(ALPK1):c.2918G>T (p.Arg973Leu)

Gene: ALPK1 (alpha kinase 1; plus strand). Cytogenetic location: 4q25.
Variant type: single nucleotide variant.
Coding change: c.2918G>T on transcript NM_025144.4 (MANE Select); coding-DNA position 2918, G replaced by T.
Protein change: p.Arg973Leu; replaces arginine 973 with leucine.
Molecular consequence: missense variant.
Genome position (GRCh38, 1-based): chr4:112,432,465, G>T. VCF-style: chr4-112432465-G-T. GRCh37 (hg19) VCF-style: chr4-113353621-G-T.
Other names: c.2918G>T, p.Arg973Leu (NM_001102406.2); c.2684G>T, p.Arg895Leu (NM_001253884.2); short protein forms R973L, R895L.
Identifiers: ClinVar variation 1912084 (VCV001912084.5), dbSNP rs202085322, ClinGen allele CA357902694.

ClinVar aggregate classification (germline): Uncertain significance (1 of 4 stars; one submission).

gnomAD v4.1: 5 of 1,614,132 alleles (0.00031%); highest among the groups gnomAD compares: Non-Finnish European, 0.00042%; no homozygotes.

Submission:

Labcorp Genetics (formerly Invitae), Labcorp
Classification: Uncertain significance. Last evaluated: 2025-09-28. Review status: criteria provided, single submitter. Criteria: Invitae Variant Classification Sherloc (09022015). Collection method: clinical testing. Allele origin: germline.
Comment: This sequence change replaces arginine, which is basic and polar, with leucine, which is neutral and non-polar, at codon 973 of the ALPK1 protein (p.Arg973Leu). This variant is not present in population databases (gnomAD no frequency). This variant has not been reported in the literature in individuals affected with ALPK1-related conditions. ClinVar contains an entry for this variant (Variation ID: 1912084). Invitae Evidence Modeling of protein sequence and biophysical properties (such as structural, functional, and spatial information, amino acid conservation, physicochemical variation, residue mobility, and thermodynamic stability) indicates that this missense variant is expected to disrupt ALPK1 protein function with a positive predictive value of 80%. In summary, the available evidence is currently insufficient to determine the role of this variant in disease. Therefore, it has been classified as a Variant of Uncertain Significance.